The following is an entry in ClinVar:

ClinVar aggregate classification (germline): Uncertain significance (1 of 4 stars; one submission).

gnomAD v4.1: 4 of 1,613,420 alleles (0.00025%); highest among the groups gnomAD compares: Non-Finnish European, 0.00034%; no homozygotes.

Submission:

GeneDx
Classification: Uncertain significance. Last evaluated: 2026-04-23. Review status: criteria provided, single submitter. Criteria: GeneDx Variant Classification Process June 2021. Collection method: clinical testing. Allele origin: germline.
Comment: Not observed at significant frequency in large population cohorts (gnomAD); Missense variant in a gene in which most reported pathogenic variants are truncating/loss of function; Has not been previously published as pathogenic or benign to our knowledge

NM_001267550.2(TTN):c.73379T>C (p.Val24460Ala)

Genes: TTN (titin; minus strand), TTN-AS1 (TTN antisense RNA 1; plus strand). Cytogenetic location: 2q31.2.
Variant type: single nucleotide variant.
Coding change: c.73379T>C on transcript NM_001267550.2 (MANE Select); coding-DNA position 73379, T replaced by C.
Protein change: p.Val24460Ala; replaces valine 24460 with alanine.
Molecular consequence: missense variant.
Genome position (GRCh38, 1-based): chr2:178,572,753, A>G on the plus strand (T>C on the coding strand, the complement: TTN is on the minus strand). VCF-style: chr2-178572753-A-G. GRCh37 (hg19) VCF-style: chr2-179437480-A-G.
Other names: c.68456T>C, p.Val22819Ala (NM_001256850.1); c.46184T>C, p.Val15395Ala (NM_003319.4); c.65675T>C, p.Val21892Ala (NM_133378.4); c.46559T>C, p.Val15520Ala (NM_133432.3); c.46760T>C, p.Val15587Ala (NM_133437.4); short protein forms V15395A, V15520A, V15587A, V21892A, V22819A, V24460A.
Identifiers: ClinVar variation 5037680 (VCV005037680.1).
Genomic context (GRCh38, chr2:178,572,753, plus strand): 5'-GAGCTTGTGGATTCGATGCTAGCTTTATCTAAAGATTCTCCATGGTCCCGGGCCCACTTC[A>G]CCTCAGGTGCAGGCCTTCCTTTGATGGGAACAAAAAGTCTCAGGGTGCAGCAGGCCCTTA-3'
Protein context (NP_001254479.2, residues 24450-24470): VPIKGRPAPE[Val24460Ala]KWARDHGESL